The following is an entry in ClinVar:

ClinVar aggregate classification (germline): Uncertain significance. Review status: criteria provided, multiple submitters, no conflicts (2 of 4 stars). 3 submissions from 3 submitters: Uncertain significance (3). Last evaluated 2024-06-03.

Conditions:
Ehlers-Danlos syndrome (EDS). Identifiers: Orphanet 98249, MedGen C0013720, MONDO:0020066.
Cardiovascular phenotype. Identifiers: MedGen CN230736.

Allele frequency attached by ClinVar (database versions not stated): gnomAD exomes below 0.00001; TOPMed below 0.00001; gnomAD 0.00001.

Submissions (3):

Labcorp Genetics (formerly Invitae), Labcorp
Classification: Uncertain significance. Last evaluated: 2024-06-03. Review status: criteria provided, single submitter. Criteria: Invitae Variant Classification Sherloc (09022015). Collection method: clinical testing. Allele origin: germline.
Comment: This sequence change replaces arginine, which is basic and polar, with cysteine, which is neutral and slightly polar, at codon 1601 of the ZNF469 protein (p.Arg1601Cys). This variant is not present in population databases (gnomAD no frequency). This variant has not been reported in the literature in individuals affected with ZNF469-related conditions. ClinVar contains an entry for this variant (Variation ID: 1702133). An algorithm developed to predict the effect of missense changes on protein structure and function (PolyPhen-2) suggests that this variant is likely to be tolerated. In summary, the available evidence is currently insufficient to determine the role of this variant in disease. Therefore, it has been classified as a Variant of Uncertain Significance.

Ambry Genetics
Classification: Uncertain significance for Cardiovascular phenotype. Last evaluated: 2023-04-03. Review status: criteria provided, single submitter. Criteria: Ambry Variant Classification Scheme 2023. Collection method: clinical testing. Allele origin: germline.
Comment: The p.R1601C variant (also known as c.4801C>T), located in coding exon 2 of the ZNF469 gene, results from a C to T substitution at nucleotide position 4801. The arginine at codon 1601 is replaced by cysteine, an amino acid with highly dissimilar properties. This amino acid position is conserved. In addition, this alteration is predicted to be tolerated by in silico analysis. Since supporting evidence is limited at this time, the clinical significance of this alteration remains unclear.

Genome Diagnostics Laboratory, The Hospital for Sick Children
Classification: Uncertain significance for Ehlers-Danlos syndrome. Last evaluated: 2021-06-18. Review status: criteria provided, single submitter. Criteria: ACMG Guidelines, 2015. Collection method: clinical testing. Allele origin: germline.

NM_001367624.2(ZNF469):c.4885C>T (p.Arg1629Cys)

Gene: ZNF469 (zinc finger protein 469; plus strand). Cytogenetic location: 16q24.2.
Variant type: single nucleotide variant.
Coding change: c.4885C>T on transcript NM_001367624.2 (MANE Select); coding-DNA position 4885, C replaced by T.
Protein change: p.Arg1629Cys; replaces arginine 1629 with cysteine.
Molecular consequence: missense variant.
Genome position (GRCh38, 1-based): chr16:88,432,355, C>T. VCF-style: chr16-88432355-C-T. GRCh37 (hg19) VCF-style: chr16-88498763-C-T.
Other names: NM_001127464.2:c.4801C>T; NM_001127464.1:c.4801C>T; short protein forms R1629C.
Identifiers: ClinVar variation 1702133 (VCV001702133.8), dbSNP rs887420180, ClinGen allele CA286376705.